The following is an entry in ClinVar:

NM_004364.5(CEBPA):c.1070G>A (p.Cys357Tyr)

Gene: CEBPA (CCAAT enhancer binding protein alpha; minus strand). Cytogenetic location: 19q13.11.
Variant type: single nucleotide variant.
Coding change: c.1070G>A on transcript NM_004364.5 (MANE Select); coding-DNA position 1070, G replaced by A.
Protein change: p.Cys357Tyr; replaces cysteine 357 with tyrosine.
Molecular consequence: missense variant.
Genome position (GRCh38, 1-based): chr19:33,301,345, C>T on the plus strand (G>A on the coding strand, the complement: CEBPA is on the minus strand). VCF-style: chr19-33301345-C-T. GRCh37 (hg19) VCF-style: chr19-33792251-C-T.
Other names: c.713G>A, p.Cys238Tyr (NM_001285829.2); c.1175G>A, p.Cys392Tyr (NM_001287424.2); c.1028G>A, p.Cys343Tyr (NM_001287435.2); short protein forms C357Y, C238Y, C392Y, C343Y.
Identifiers: ClinVar variation 2915953 (VCV002915953.3), dbSNP rs1387611667, ClinGen allele CA405273603.

ClinVar aggregate classification (germline): Uncertain significance (1 of 4 stars; one submission).

Conditions:
Acute myeloid leukemia (AML). Also called: Acute myeloid leukemia, adult; AML adult; Acute non-lymphocytic leukemia; Acute granulocytic leukemia; Leukemia, acute myeloid, somatic; Leukemia, acute myelogenous, somatic. Identifiers: Orphanet 519, MedGen C0023467, MeSH D015470, MONDO:0018874, OMIM 601626, HP:0004808. Disease mechanism: Constitutively activated FLT3.

Submission:

Labcorp Genetics (formerly Invitae), Labcorp
Classification: Uncertain significance for Acute myeloid leukemia. Last evaluated: 2023-10-13. Review status: criteria provided, single submitter. Criteria: Invitae Variant Classification Sherloc (09022015). Collection method: clinical testing. Allele origin: germline.
Comment: This sequence change replaces cysteine, which is neutral and slightly polar, with tyrosine, which is neutral and polar, at codon 357 of the CEBPA protein (p.Cys357Tyr). The frequency data for this variant in the population databases is considered unreliable, as metrics indicate poor data quality at this position in the gnomAD database. This variant has not been reported in the literature in individuals affected with CEBPA-related conditions. An algorithm developed to predict the effect of missense changes on protein structure and function (PolyPhen-2) suggests that this variant is likely to be disruptive. In summary, the available evidence is currently insufficient to determine the role of this variant in disease. Therefore, it has been classified as a Variant of Uncertain Significance.